The following is an entry in ClinVar:

ClinVar aggregate classification (germline): Uncertain significance. Review status: criteria provided, multiple submitters, no conflicts (2 of 4 stars). 3 submissions from 3 submitters: Uncertain significance (3). Last evaluated 2025-02-17.

Conditions:
DICER1-related tumor predisposition. Also called: DICER1-related pleuropulmonary blastoma cancer predisposition syndrome; DICER1 syndrome. Identifiers: Orphanet 284343, MedGen C3839822, MONDO:0100216.
Global developmental delay - lung cysts - overgrowth - Wilms tumor syndrome. Also called: GLOW Syndrome; GLOBAL DEVELOPMENTAL DELAY, LUNG CYSTS, OVERGROWTH, AND WILMS TUMOR. Identifiers: Orphanet 404476, MedGen C4748924, MONDO:0018445, OMIM 618272.

Allele frequency attached by ClinVar (database versions not stated): gnomAD exomes below 0.00001.
gnomAD v4.1: 1 of 1,614,046 alleles (0.000062%); highest among the groups gnomAD compares: Non-Finnish European, 0.000085%; no homozygotes.

Submissions (3):

Quest Diagnostics Nichols Institute San Juan Capistrano
Classification: Uncertain significance. Last evaluated: 2025-02-17. Review status: criteria provided, single submitter. Criteria: Quest Diagnostics criteria. Collection method: clinical testing. Allele origin: unknown.
Comment: The DICER1 c.1270A>G (p.Ile424Val) variant has not been reported in individuals with DICER1-related conditions in the published literature. It also has not been reported in large, multi-ethnic general populations (Genome Aggregation Database). Analysis of this variant using bioinformatics tools for the prediction of the effect of amino acid changes on protein structure and function yielded predictions that this variant is benign. Based on the available information, we are unable to determine the clinical significance of this variant.

Baylor Genetics
Classification: Uncertain significance for Global developmental delay - lung cysts - overgrowth - Wilms tumor syndrome. Last evaluated: 2023-11-02. Review status: criteria provided, single submitter. Criteria: ACMG Guidelines, 2015. Collection method: clinical testing. Allele origin: unknown.

Labcorp Genetics (formerly Invitae), Labcorp
Classification: Uncertain significance for DICER1-related tumor predisposition. Last evaluated: 2022-03-19. Review status: criteria provided, single submitter. Criteria: Invitae Variant Classification Sherloc (09022015). Collection method: clinical testing. Allele origin: germline.
Comment: In summary, the available evidence is currently insufficient to determine the role of this variant in disease. Therefore, it has been classified as a Variant of Uncertain Significance. Algorithms developed to predict the effect of missense changes on protein structure and function (SIFT, PolyPhen-2, Align-GVGD) all suggest that this variant is likely to be tolerated. This variant has not been reported in the literature in individuals affected with DICER1-related conditions. This variant is not present in population databases (gnomAD no frequency). This sequence change replaces isoleucine, which is neutral and non-polar, with valine, which is neutral and non-polar, at codon 424 of the DICER1 protein (p.Ile424Val).

NM_177438.3(DICER1):c.1270A>G (p.Ile424Val)

Gene: DICER1 (dicer 1, ribonuclease III; minus strand). Cytogenetic location: 14q32.13.
Variant type: single nucleotide variant.
Coding change: c.1270A>G on transcript NM_177438.3 (MANE Select); coding-DNA position 1270, A replaced by G.
Protein change: p.Ile424Val; replaces isoleucine 424 with valine.
Molecular consequence: missense variant. On other transcripts: 5 prime UTR variant (1), non-coding transcript variant (6).
Genome position (GRCh38, 1-based): chr14:95,124,302, T>C on the plus strand (A>G on the coding strand, the complement: DICER1 is on the minus strand). VCF-style: chr14-95124302-T-C. GRCh37 (hg19) VCF-style: chr14-95590639-T-C.
Other names: c.1270A>G, p.Ile424Val (NM_001395682.1, NM_001395683.1, NM_001395684.1 and 15 more transcripts); c.988A>G, p.Ile330Val (NM_001395686.1); c.865A>G, p.Ile289Val (NM_001395687.1, NM_001395688.1, NM_001395689.1 and 3 more transcripts); c.703A>G, p.Ile235Val (NM_001395691.1); c.-299A>G (NM_001395697.1); short protein forms I235V, I330V, I424V, I289V.
Identifiers: ClinVar variation 1931546 (VCV001931546.7), dbSNP rs954767129, ClinGen allele CA265923272.
Genomic context (GRCh38, chr14:95,124,302, plus strand): 5'-CGCACAAAATGTTGGTAAAAGGAGAAGGAAAATTTGTCTCTGGCTTCTCTTTTTCTTCAA[T>C]TTCTTCATCCTCATCATCATCCTCAGAATCACTCCATGACACATAATTATCCTGATTTCT-3'
Protein context (NP_803187.1, residues 414-434): DSEDDDEDEE[Ile424Val]EEKEKPETNF